The following is an entry in ClinVar:

ClinVar aggregate classification (germline): Uncertain significance. Review status: criteria provided, multiple submitters, no conflicts (2 of 4 stars). 2 submissions from 2 submitters: Uncertain significance (2). Last evaluated 2025-09-14.

Conditions:
Pyogenic arthritis-pyoderma gangrenosum-acne syndrome (PAPA). Also called: FAMILIAL RECURRENT ARTHRITIS; PAPA SYNDROME. Identifiers: Orphanet 69126, MedGen C1858361, MONDO:0011462, OMIM 604416.

Allele frequency attached by ClinVar (database versions not stated): gnomAD 0.00001; gnomAD exomes 0.00001; TOPMed 0.00001.
gnomAD v4.1: 9 of 1,590,596 alleles (0.00057%); highest among the groups gnomAD compares: African/African-American, 0.0013%; no homozygotes.

Submissions (2):

Labcorp Genetics (formerly Invitae), Labcorp
Classification: Uncertain significance for Pyogenic arthritis-pyoderma gangrenosum-acne syndrome. Last evaluated: 2025-09-14. Review status: criteria provided, single submitter. Criteria: Invitae Variant Classification Sherloc (09022015). Collection method: clinical testing. Allele origin: germline.
Comment: This sequence change replaces threonine, which is neutral and polar, with isoleucine, which is neutral and non-polar, at codon 321 of the PSTPIP1 protein (p.Thr321Ile). The frequency data for this variant in the population databases is considered unreliable, as metrics indicate poor data quality at this position in the gnomAD database. This variant has not been reported in the literature in individuals affected with PSTPIP1-related conditions. ClinVar contains an entry for this variant (Variation ID: 1945247). Invitae Evidence Modeling of protein sequence and biophysical properties (such as structural, functional, and spatial information, amino acid conservation, physicochemical variation, residue mobility, and thermodynamic stability) indicates that this missense variant is not expected to disrupt PSTPIP1 protein function with a negative predictive value of 80%. In summary, the available evidence is currently insufficient to determine the role of this variant in disease. Therefore, it has been classified as a Variant of Uncertain Significance.

GeneDx
Classification: Uncertain significance. Last evaluated: 2023-05-28. Review status: criteria provided, single submitter. Criteria: GeneDx Variant Classification Process June 2021. Collection method: clinical testing. Allele origin: germline. Affected: yes.
Comment: Not observed at significant frequency in large population cohorts (gnomAD); In silico analysis supports that this missense variant does not alter protein structure/function; Has not been previously published as pathogenic or benign to our knowledge

NM_003978.5(PSTPIP1):c.962C>T (p.Thr321Ile)

Gene: PSTPIP1 (proline-serine-threonine phosphatase interacting protein 1; plus strand). Cytogenetic location: 15q24.3.
Variant type: single nucleotide variant.
Coding change: c.962C>T on transcript NM_003978.5 (MANE Select); coding-DNA position 962, C replaced by T.
Protein change: p.Thr321Ile; replaces threonine 321 with isoleucine.
Molecular consequence: missense variant. On other transcripts: non-coding transcript variant (1).
Genome position (GRCh38, 1-based): chr15:77,035,540, C>T. VCF-style: chr15-77035540-C-T. GRCh37 (hg19) VCF-style: chr15-77327881-C-T.
Other names: c.905C>T, p.Thr302Ile (NM_001321135.2); c.935C>T, p.Thr312Ile (NM_001321136.2); c.1157C>T, p.Thr386Ile (NM_001321137.1); c.962C>T, p.Thr321Ile (NM_001411086.1); short protein forms T302I, T312I, T321I, T386I.
Identifiers: ClinVar variation 1945247 (VCV001945247.6), dbSNP rs921441978, ClinGen allele CA273763657.